The following is an entry in ClinVar:

ClinVar aggregate classification (germline): Uncertain significance (1 of 4 stars; one submission).

Allele frequency attached by ClinVar (database versions not stated): TOPMed 0.00003; gnomAD exomes 0.00004; ExAC 0.00006; ESP Exome Variant Server 0.00008.
gnomAD v4.1: 70 of 1,614,046 alleles (0.0043%); highest among the groups gnomAD compares: African/African-American, 0.0013%; no homozygotes.

Submission:

Ambry Genetics
Classification: Uncertain significance. Last evaluated: 2024-10-31. Review status: criteria provided, single submitter. Criteria: Ambry Variant Classification Scheme 2023. Collection method: clinical testing. Allele origin: germline.
Comment: The p.K32N variant (also known as c.96G>C), located in coding exon 2 of the NQO1 gene, results from a G to C substitution at nucleotide position 96. The lysine at codon 32 is replaced by asparagine, an amino acid with similar properties. This amino acid position is conserved. In addition, this alteration is predicted to be tolerated by in silico analysis. Since supporting evidence is limited at this time, the clinical significance of this alteration remains unclear.

NM_000903.3(NQO1):c.96G>C (p.Lys32Asn)

Gene: NQO1 (NAD(P)H quinone dehydrogenase 1; minus strand). Cytogenetic location: 16q22.1.
Variant type: single nucleotide variant.
Coding change: c.96G>C on transcript NM_000903.3 (MANE Select); coding-DNA position 96, G replaced by C.
Protein change: p.Lys32Asn; replaces lysine 32 with asparagine.
Molecular consequence: missense variant.
Genome position (GRCh38, 1-based): chr16:69,718,446, C>G on the plus strand (G>C on the coding strand, the complement: NQO1 is on the minus strand). VCF-style: chr16-69718446-C-G. GRCh37 (hg19) VCF-style: chr16-69752349-C-G.
Other names: c.96G>C, p.Lys32Asn (NM_001025433.2, NM_001025434.2, NM_001286137.2); short protein forms K32N.
Identifiers: ClinVar variation 1767902 (VCV001767902.4), dbSNP rs202247099, ClinGen allele CA8136323.